The following is an entry in ClinVar:

NM_006790.3(MYOT):c.98G>T (p.Ser33Ile)

Genes: MYOT (myotilin; plus strand), PKD2L2-DT (PKD2L2 divergent transcript; minus strand). Cytogenetic location: 5q31.2.
Variant type: single nucleotide variant.
Coding change: c.98G>T on transcript NM_006790.3 (MANE Select); coding-DNA position 98, G replaced by T.
Protein change: p.Ser33Ile; replaces serine 33 with isoleucine.
Molecular consequence: missense variant. On other transcripts: intron variant (2).
Genome position (GRCh38, 1-based): chr5:137,870,749, G>T. VCF-style: chr5-137870749-G-T. GRCh37 (hg19) VCF-style: chr5-137206438-G-T.
Other names: c.-120-128G>T (NM_001300911.2); c.-197+224G>T (NM_001135940.2); short protein forms S33I.
Identifiers: ClinVar variation 464376 (VCV000464376.9), dbSNP rs1554102559, ClinGen allele CA361477946.
Genomic context (GRCh38, chr5:137,870,749, plus strand): 5'-CCCAAAACCCATGTGGCTCCAGATTGCAGCCTCCTGGACCAGAAACCTCCAGCTTCTCTA[G>T]CCAGACCAAACAGTCTTCCATTATCATCCAGCCCCGCCAGTGTACAGAGCAAAGATTTTC-3'
Protein context (NP_006781.1, residues 23-43): PPGPETSSFS[Ser33Ile]QTKQSSIIIQ

ClinVar aggregate classification (germline): Uncertain significance (1 of 4 stars; one submission).

Conditions:
Myofibrillar myopathy 3 (MFM3). Also called: Autosomal dominant spheroid body myopathy; Muscular dystrophy, proximal, type 1A. Identifiers: Orphanet 266, Orphanet 268129, MedGen C3714934, MONDO:0012215, OMIM 609200.

Submission:

Labcorp Genetics (formerly Invitae), Labcorp
Classification: Uncertain significance for Myofibrillar myopathy 3. Last evaluated: 2018-04-11. Review status: criteria provided, single submitter. Criteria: Invitae Variant Classification Sherloc (09022015). Collection method: clinical testing. Allele origin: germline.
Comment: This sequence change replaces serine with isoleucine at codon 33 of the MYOT protein (p.Ser33Ile). The serine residue is moderately conserved and there is a large physicochemical difference between serine and isoleucine. This variant is not present in population databases (ExAC no frequency) and has not been reported in the literature in individuals with a MYOT-related disease. In summary, this variant is a novel missense change that is not predicted to affect protein function. There is no indication that it causes disease, but the available evidence is currently insufficient to prove that conclusively. Therefore, it has been classified as a Variant of Uncertain Significance. Algorithms developed to predict the effect of missense changes on protein structure and function (SIFT, PolyPhen-2, Align-GVGD) all suggest that this variant is likely to be tolerated, but these predictions have not been confirmed by published functional studies.